The following is an entry in ClinVar:

NM_001199138.2(NLRC4):c.2126G>A (p.Ser709Asn)

Gene: NLRC4 (NLR family CARD domain containing 4; minus strand). Cytogenetic location: 2p22.3.
Variant type: single nucleotide variant.
Coding change: c.2126G>A on transcript NM_001199138.2 (MANE Select); coding-DNA position 2126, G replaced by A.
Protein change: p.Ser709Asn; replaces serine 709 with asparagine.
Molecular consequence: missense variant. On other transcripts: intron variant (1).
Genome position (GRCh38, 1-based): chr2:32,249,738, C>T on the plus strand (G>A on the coding strand, the complement: NLRC4 is on the minus strand). VCF-style: chr2-32249738-C-T. GRCh37 (hg19) VCF-style: chr2-32474807-C-T.
Other names: c.2126G>A, p.Ser709Asn (NM_001199139.2, NM_021209.5); c.262+2681G>A (NM_001302504.1); short protein forms S709N.
Identifiers: ClinVar variation 2950309 (VCV002950309.3), dbSNP rs2466756562, ClinGen allele CA346510950.

ClinVar aggregate classification (germline): Uncertain significance (1 of 4 stars; one submission).

Conditions:
Periodic fever-infantile enterocolitis-autoinflammatory syndrome. Also called: Autoinflammation with infantile enterocolitis. Identifiers: Orphanet 436166, MedGen C4015067, MONDO:0014472, OMIM 616050.
Familial cold autoinflammatory syndrome 4 (FCAS4). Identifiers: Orphanet 47045, Orphanet 576349, MedGen C4015276, MONDO:0014498, OMIM 616115.

Allele frequency attached by ClinVar (database versions not stated): gnomAD exomes below 0.00001.
gnomAD v4.1: 1 of 1,614,216 alleles (0.000062%); highest among the groups gnomAD compares: Non-Finnish European, 0.000085%; no homozygotes.

Submission:

Labcorp Genetics (formerly Invitae), Labcorp
Classification: Uncertain significance for Periodic fever-infantile enterocolitis-autoinflammatory syndrome; Familial cold autoinflammatory syndrome 4. Last evaluated: 2024-04-16. Review status: criteria provided, single submitter. Criteria: Invitae Variant Classification Sherloc (09022015). Collection method: clinical testing. Allele origin: germline.
Comment: This sequence change replaces serine, which is neutral and polar, with asparagine, which is neutral and polar, at codon 709 of the NLRC4 protein (p.Ser709Asn). This variant is not present in population databases (gnomAD no frequency). This variant has not been reported in the literature in individuals affected with NLRC4-related conditions. Advanced modeling of protein sequence and biophysical properties (such as structural, functional, and spatial information, amino acid conservation, physicochemical variation, residue mobility, and thermodynamic stability) performed at Invitae indicates that this missense variant is not expected to disrupt NLRC4 protein function with a negative predictive value of 80%. In summary, the available evidence is currently insufficient to determine the role of this variant in disease. Therefore, it has been classified as a Variant of Uncertain Significance.